The following is an entry in ClinVar:

ClinVar aggregate classification (germline): Uncertain significance. Review status: criteria provided, multiple submitters, no conflicts (2 of 4 stars). 11 submissions from 11 submitters: Uncertain significance (9). 2 of the submissions do not count toward it. Last evaluated 2026-01-27.

Conditions:
Hereditary cancer-predisposing syndrome. Also called: Tumor predisposition; Hereditary Cancer Syndrome; Hereditary neoplastic syndrome; Neoplastic Syndromes, Hereditary. Identifiers: Orphanet 140162, MedGen C0027672, MeSH D009386, MONDO:0015356.
Ataxia-telangiectasia syndrome (AT). Also called: LOUIS-BAR SYNDROME; Cerebello-oculocutaneous telangiectasia; Immunodeficiency with ataxia telangiectasia; ATAXIA-TELANGIECTASIA, COMPLEMENTATION GROUP A; ATAXIA-TELANGIECTASIA, FRESNO VARIANT; Ataxia-telangiectasia. Identifiers: Orphanet 100, MedGen C0004135, MONDO:0008840, OMIM 208900.
Familial cancer of breast. Also called: BREAST CANCER, FAMILIAL; hereditary breast carcinoma; Hereditary breast cancer. Identifiers: Orphanet 227535, MedGen C0346153, MONDO:0016419, OMIM 114480. Disease mechanism: loss of function.

Allele frequency attached by ClinVar (database versions not stated): gnomAD exomes 0.00003; TOPMed 0.00003; ExAC 0.00004; gnomAD 0.00004.
gnomAD v4.1: 68 of 1,612,816 alleles (0.0042%); highest among the groups gnomAD compares: Non-Finnish European, 0.0056%; no homozygotes.

Submissions (11):

GeneDx
Classification: Uncertain significance. Last evaluated: 2026-01-27. Review status: criteria provided, single submitter. Criteria: GeneDx Variant Classification Process June 2021. Collection method: clinical testing. Allele origin: germline. Affected: yes.
Comment: Not observed at significant frequency in large population cohorts (gnomAD); In silico analysis suggests that this missense variant does not alter protein structure/function; Observed in individuals with breast and other cancers, as well as in both cases and unaffected controls in a breast cancer study (PMID: 19781682, 25148578, 26689913, 26898890, 33471991, 33436325); This variant is associated with the following publications: (PMID: 25148578, 19781682, 26917275, 26689913, 23407552, 28873162, 26898890, 28652578, 31064868, 33782497, 33436325, 34008015, 33471991, 20305132, 38446987)

Labcorp Genetics (formerly Invitae), Labcorp
Classification: Uncertain significance for Ataxia-telangiectasia syndrome. Last evaluated: 2026-01-21. Review status: criteria provided, single submitter. Criteria: Invitae Variant Classification Sherloc (09022015). Collection method: clinical testing. Allele origin: germline.
Comment: This sequence change replaces valine, which is neutral and non-polar, with leucine, which is neutral and non-polar, at codon 613 of the ATM protein (p.Val613Leu). This variant is present in population databases (rs200124136, gnomAD 0.004%). This missense change has been observed in individual(s) with breast cancer, prostate cancer and/or mesothelioma (PMID: 19781682, 20305132, 26898890, 33436325, 34008015). ClinVar contains an entry for this variant (Variation ID: 181922). Invitae Evidence Modeling of protein sequence and biophysical properties (such as structural, functional, and spatial information, amino acid conservation, physicochemical variation, residue mobility, and thermodynamic stability) indicates that this missense variant is not expected to disrupt ATM protein function with a negative predictive value of 95%. In summary, the available evidence is currently insufficient to determine the role of this variant in disease. Therefore, it has been classified as a Variant of Uncertain Significance.

Color Diagnostics, LLC DBA Color Health
Classification: Uncertain significance for Hereditary cancer-predisposing syndrome. Last evaluated: 2024-06-03. Review status: criteria provided, single submitter. Criteria: ACMG Guidelines, 2015. Collection method: clinical testing. Allele origin: germline.
Comment: This missense variant replaces valine with leucine at codon 613 of the ATM protein. Computational prediction suggests that this variant may not impact protein structure and function. To our knowledge, functional studies have not been reported for this variant. In a large international case-control meta analysis, this variant was reported in 9/60466 breast cancer cases and 1/53461 controls (OR=7.958, 95%CI 1.008 to 62.82, p-value=0.024; PMID: 33471991). This variant has been reported in additional individuals affected with breast cancer (PMID: 19781682, 20305132), an individual affected with breast cancer and mesothelioma (PMID: 34008015), and an individual affected with prostate cancer (PMID: 33436325). This variant has also been identified in 8/250872 chromosomes in the general population by the Genome Aggregation Database (gnomAD) and in one woman age 70 years or older without cancer. The available evidence is insufficient to determine the role of this variant in disease conclusively. Therefore, this variant is classified as a Variant of Uncertain Significance.

Ambry Genetics
Classification: Uncertain significance for Hereditary cancer-predisposing syndrome. Last evaluated: 2024-04-03. Review status: criteria provided, single submitter. Criteria: Ambry Variant Classification Scheme 2023. Collection method: clinical testing. Allele origin: germline.
Comment: The p.V613L variant (also known as c.1837G>T), located in coding exon 11 of the ATM gene, results from a G to T substitution at nucleotide position 1837. The valine at codon 613 is replaced by leucine, an amino acid with highly similar properties. This alteration was reported in 1 of 4112 breast cancer cases and in 0 of 2399 controls (Tavtigian SV Am. J. Hum. Genet. 2009 Oct; 85(4):427-46). This amino acid position is highly conserved in available vertebrate species. In addition, the in silico prediction for this alteration is inconclusive. Since supporting evidence is limited at this time, the clinical significance of this alteration remains unclear.

ARUP Laboratories, Molecular Genetics and Genomics, ARUP Laboratories
Classification: Uncertain significance. Last evaluated: 2024-01-24. Review status: criteria provided, single submitter. Criteria: ARUP Molecular Germline Variant Investigation Process 2024. Collection method: clinical testing. Allele origin: germline.

Baylor Genetics
Classification: Uncertain significance for Familial cancer of breast. Last evaluated: 2023-09-06. Review status: criteria provided, single submitter. Criteria: ACMG Guidelines, 2015. Collection method: clinical testing. Allele origin: unknown.

Department of Pathology and Laboratory Medicine, Sinai Health System
Classification: Uncertain significance for Familial cancer of breast. Last evaluated: 2023-07-06. Review status: criteria provided, single submitter. Criteria: ACMG Guidelines, 2015. Collection method: clinical testing. Allele origin: germline. Affected: yes.

Sema4
Classification: Uncertain significance for Hereditary cancer-predisposing syndrome. Last evaluated: 2021-06-03. Review status: criteria provided, single submitter. Criteria: Sema4 Curation Guidelines. Collection method: curation. Allele origin: germline.
Comment: The ATM c.1837G>T (p.V613L) variant has been reported in heterozygosity in at least ten individuals with breast cancer (PMID: 33471991, 19781682). It was observed in 7/113386 chromosomes in the Non-Finnish European subpopulation in the large and broad cohorts of the Genome Aggregation Database (PMID: 32461654). The variant has been reported in ClinVar (Variation ID: 181922). In silico tools suggest the impact of the variant on protein function is inconclusive, though these predictions have not been confirmed by functional studies. The evidence is insufficient to meet ACMG/AMP criteria for classifying the variant as benign or pathogenic. Thus, the clinical significance of this variant is currently uncertain.

Genetic Services Laboratory, University of Chicago
Classification: Uncertain significance. Last evaluated: 2021-01-04. Review status: criteria provided, single submitter. Criteria: ACMG Guidelines, 2015. Collection method: clinical testing. Allele origin: germline. Affected: no.
Comment: This sequence change has been previously described in a patient with breast cancer but no additional information was provided (PMID: 19781682). It has been described in the gnomAD database with a low population frequency of 0.0062% in the non-Finnish European subpopulation (dbSNP rs200124136). The p.Val613Leu change affects a moderately conserved amino acid residue located in a domain of the ATM protein that is known to be functional. In-silico pathogenicity prediction tools (SIFT, PolyPhen2, Align GVGD, REVEL) provide contradictory results for the p.Val613Leu substitution. Due to these contrasting evidences and the lack of functional studies, the clinical significance of the p.Val613Leu change remains unknown at this time.

Zotz-Klimas Genetics Lab, MVZ Zotz Klimas
Classification: Uncertain significance for Familial cancer of breast. Last evaluated: 2023-10-30. Review status: no assertion criteria provided. Collection method: clinical testing. Allele origin: germline. Affected: yes. Not counted in ClinVar's aggregate classification.

Natera, Inc.
Classification: Uncertain significance for Ataxia-telangiectasia. Last evaluated: 2021-03-01. Review status: no assertion criteria provided. Collection method: clinical testing. Allele origin: germline. Not counted in ClinVar's aggregate classification.

Literature cited by the submitters: PubMed 19781682 (cited by 5 submitters); PubMed 20305132 (cited by 3 submitters); PubMed 26898890 (cited by Labcorp Genetics (formerly Invitae), Labcorp); PubMed 33436325 (cited by Labcorp Genetics (formerly Invitae), Labcorp and Color Diagnostics, LLC DBA Color Health); PubMed 34008015 (cited by Labcorp Genetics (formerly Invitae), Labcorp and Color Diagnostics, LLC DBA Color Health); PubMed 33471991 (cited by Department of Pathology and Laboratory Medicine, Sinai Health System and Sema4).

NM_000051.4(ATM):c.1837G>T (p.Val613Leu)

Gene: ATM (ATM serine/threonine kinase; plus strand). Cytogenetic location: 11q22.3.
Variant type: single nucleotide variant.
Coding change: c.1837G>T on transcript NM_000051.4 (MANE Select); coding-DNA position 1837, G replaced by T.
Protein change: p.Val613Leu; replaces valine 613 with leucine.
Molecular consequence: missense variant.
Genome position (GRCh38, 1-based): chr11:108,252,851, G>T. VCF-style: chr11-108252851-G-T. GRCh37 (hg19) VCF-style: chr11-108123578-G-T.
Other names: p.V613L:GTG>TTG; c.1837G>T, p.Val613Leu (NM_001351834.2); short protein forms V613L.
Identifiers: ClinVar variation 181922 (VCV000181922.40), dbSNP rs200124136, ClinGen allele CA298150.